The following is an entry in ClinVar:

NM_032043.3(BRIP1):c.1158A>G (p.Lys386=)

Gene: BRIP1 (BRCA1 interacting DNA helicase 1; minus strand). Cytogenetic location: 17q23.2.
Variant type: single nucleotide variant.
Coding change: c.1158A>G on transcript NM_032043.3 (MANE Select); coding-DNA position 1158, A replaced by G.
Protein change: p.Lys386=; no amino-acid change (lysine 386 retained).
Molecular consequence: synonymous variant.
Genome position (GRCh38, 1-based): chr17:61,799,282, T>C on the plus strand (A>G on the coding strand, the complement: BRIP1 is on the minus strand). VCF-style: chr17-61799282-T-C. GRCh37 (hg19) VCF-style: chr17-59876643-T-C.
Identifiers: ClinVar variation 565701 (VCV000565701.15), dbSNP rs1567829719, ClinGen allele CA501151700.

ClinVar aggregate classification (germline): Benign/Likely benign. Review status: criteria provided, multiple submitters, no conflicts (2 of 4 stars). 3 submissions from 3 submitters: Benign (1); Likely benign (2). Last evaluated 2025-08-29.

Conditions:
Familial cancer of breast. Also called: Hereditary breast cancer; BREAST CANCER, FAMILIAL; hereditary breast carcinoma. Identifiers: Orphanet 227535, MedGen C0346153, MONDO:0016419, OMIM 114480. Disease mechanism: loss of function.
Hereditary cancer-predisposing syndrome. Also called: Neoplastic Syndromes, Hereditary; Tumor predisposition; Hereditary Cancer Syndrome; Hereditary neoplastic syndrome. Identifiers: Orphanet 140162, MedGen C0027672, MeSH D009386, MONDO:0015356.
Fanconi anemia complementation group J. Also called: BRIP1-Related Fanconi Anemia. Identifiers: Orphanet 84, MedGen C1836860, MONDO:0012187, OMIM 609054.

Allele frequency attached by ClinVar (database versions not stated): gnomAD exomes below 0.00001.
gnomAD v4.1: 1 of 1,612,738 alleles (0.000062%); highest among the groups gnomAD compares: Non-Finnish European, 0.000085%; no homozygotes.

Submissions (3):

Labcorp Genetics (formerly Invitae), Labcorp
Classification: Likely benign for Familial cancer of breast; Fanconi anemia complementation group J. Last evaluated: 2025-08-29. Review status: criteria provided, single submitter. Criteria: Invitae Variant Classification Sherloc (09022015). Collection method: clinical testing. Allele origin: germline.

Myriad Genetics, Inc.
Classification: Benign for Familial cancer of breast. Last evaluated: 2024-08-26. Review status: criteria provided, single submitter. Criteria: Myriad Autosomal Dominant, Autosomal Recessive and X-Linked Classification Criteria (2023). Collection method: clinical testing. Allele origin: unknown.
Comment: This variant is considered benign. This variant is a silent/synonymous amino acid change and it is not expected to impact splicing.

Ambry Genetics
Classification: Likely benign for Hereditary cancer-predisposing syndrome. Last evaluated: 2019-09-11. Review status: criteria provided, single submitter. Criteria: Ambry Variant Classification Scheme 2023. Collection method: clinical testing. Allele origin: germline.